The following is an entry in ClinVar:

ClinVar aggregate classification (germline): Benign/Likely benign. Review status: criteria provided, multiple submitters, no conflicts (2 of 4 stars). 3 submissions from 3 submitters: Benign (2); Likely benign (1). Last evaluated 2023-01-01.

Allele frequency attached by ClinVar (database versions not stated): 1000 Genomes Project 0.00140; 1000 Genomes Project 30x 0.00203; ESP Exome Variant Server 0.00346; TOPMed 0.00401; gnomAD 0.00436 and 0.00457; gnomAD exomes 0.00469 and 0.00566; ExAC 0.00500.

Submissions (3):

CeGaT Center for Human Genetics Tuebingen
Classification: Likely benign. Last evaluated: 2023-01-01. Review status: criteria provided, single submitter. Criteria: CeGaT Center For Human Genetics Tuebingen Variant Classification Criteria Version 2. Collection method: clinical testing. Allele origin: germline. Affected: yes. Observed: 1 variant allele.
Comment: EPHX2: BP4, BS2

Labcorp Genetics (formerly Invitae), Labcorp
Classification: Benign. Last evaluated: 2018-03-28. Review status: criteria provided, single submitter. Criteria: Invitae Variant Classification Sherloc (09022015). Collection method: clinical testing. Allele origin: germline.

Breakthrough Genomics
Classification: Benign. Review status: criteria provided, single submitter. Criteria: ACMG Guidelines, 2015. Collection method: not provided. Allele origin: germline. Inheritance: Autosomal dominant inheritance. Affected: yes.

NM_001979.6(EPHX2):c.155G>A (p.Arg52Gln)

Gene: EPHX2 (epoxide hydrolase 2; plus strand). Cytogenetic location: 8p21.1.
Variant type: single nucleotide variant.
Coding change: c.155G>A on transcript NM_001979.6 (MANE Select); coding-DNA position 155, G replaced by A.
Protein change: p.Arg52Gln; replaces arginine 52 with glutamine.
Molecular consequence: missense variant. On other transcripts: 5 prime UTR variant (2), intron variant (1).
Genome position (GRCh38, 1-based): chr8:27,500,979, G>A. VCF-style: chr8-27500979-G-A. GRCh37 (hg19) VCF-style: chr8-27358496-G-A.
Other names: c.-5G>A (NM_001256482.2, NM_001256484.2); c.-12-2625G>A (NM_001256483.2); short protein forms R52Q.
Identifiers: ClinVar variation 783837 (VCV000783837.28), dbSNP rs72475803, ClinGen allele CA4689904.
Genomic context (GRCh38, chr8:27,500,979, plus strand): 5'-TTTCCAGAGGACTTCTGAATGATGCTTTCCAGAAAGGGGGACCAGAGGGTGCCACTACCC[G>A]GCTTATGAAAGGAGAGATCACACTTTCCCAGGTGAGGGGACATCACCACACAGAGCCCTT-3'
Protein context (NP_001970.2, residues 42-62): QKGGPEGATT[Arg52Gln]LMKGEITLSQ